The following is an entry in ClinVar:

ClinVar aggregate classification (germline): Uncertain significance (1 of 4 stars; one submission).

Conditions:
Gorlin syndrome. Also called: Nevoid Basal Cell Carcinoma Syndrome; Basal cell nevus syndrome. Identifiers: Orphanet 377, MedGen C0004779, MONDO:0007187.

gnomAD v4.1: 11 of 1,613,934 alleles (0.00068%); highest among the groups gnomAD compares: African/African-American, 0.015%; no homozygotes.

Submission:

Labcorp Genetics (formerly Invitae), Labcorp
Classification: Uncertain significance for Gorlin syndrome. Last evaluated: 2025-04-23. Review status: criteria provided, single submitter. Criteria: Invitae Variant Classification Sherloc (09022015). Collection method: clinical testing. Allele origin: germline.
Comment: This sequence change replaces serine, which is neutral and polar, with tyrosine, which is neutral and polar, at codon 1148 of the PTCH2 protein (p.Ser1148Tyr). This variant is present in population databases (rs780051510, gnomAD 0.02%). This variant has not been reported in the literature in individuals affected with PTCH2-related conditions. An algorithm developed to predict the effect of missense changes on protein structure and function (PolyPhen-2) suggests that this variant is likely to be tolerated. In summary, the available evidence is currently insufficient to determine the role of this variant in disease. Therefore, it has been classified as a Variant of Uncertain Significance.

NM_003738.5(PTCH2):c.3443C>A (p.Ser1148Tyr)

Gene: PTCH2 (patched 2; minus strand). Cytogenetic location: 1p34.1.
Variant type: single nucleotide variant.
Coding change: c.3443C>A on transcript NM_003738.5 (MANE Select); coding-DNA position 3443, C replaced by A.
Protein change: p.Ser1148Tyr; replaces serine 1148 with tyrosine.
Molecular consequence: missense variant. On other transcripts: intron variant (1).
Genome position (GRCh38, 1-based): chr1:44,822,584, G>T on the plus strand (C>A on the coding strand, the complement: PTCH2 is on the minus strand). VCF-style: chr1-44822584-G-T. GRCh37 (hg19) VCF-style: chr1-45288256-G-T.
Other names: c.3425+18C>A (NM_001166292.2); short protein forms S1148Y.
Identifiers: ClinVar variation 4751981 (VCV004751981.1).